The following is an entry in ClinVar:

NM_014633.5(CTR9):c.2690C>T (p.Ala897Val)

Gene: CTR9 (CTR9 component of Paf1/RNA polymerase II complex; plus strand). Cytogenetic location: 11p15.4.
Variant type: single nucleotide variant.
Coding change: c.2690C>T on transcript NM_014633.5 (MANE Select); coding-DNA position 2690, C replaced by T.
Protein change: p.Ala897Val; replaces alanine 897 with valine.
Molecular consequence: missense variant.
Genome position (GRCh38, 1-based): chr11:10,773,236, C>T. VCF-style: chr11-10773236-C-T. GRCh37 (hg19) VCF-style: chr11-10794783-C-T.
Other names: c.2618C>T, p.Ala873Val (NM_001346279.2); short protein forms A873V, A897V.
Identifiers: ClinVar variation 2787404 (VCV002787404.3), dbSNP rs763337986, ClinGen allele CA379676956.

ClinVar aggregate classification (germline): Uncertain significance (1 of 4 stars; one submission).

gnomAD v4.1: 1 of 1,613,056 alleles (0.000062%); highest among the groups gnomAD compares: East Asian, 0.0022%; no homozygotes.

Submission:

Labcorp Genetics (formerly Invitae), Labcorp
Classification: Uncertain significance. Last evaluated: 2024-12-16. Review status: criteria provided, single submitter. Criteria: Invitae Variant Classification Sherloc (09022015). Collection method: clinical testing. Allele origin: germline.
Comment: This sequence change replaces alanine, which is neutral and non-polar, with valine, which is neutral and non-polar, at codon 897 of the CTR9 protein (p.Ala897Val). This variant is not present in population databases (gnomAD no frequency). This variant has not been reported in the literature in individuals affected with CTR9-related conditions. ClinVar contains an entry for this variant (Variation ID: 2787404). An algorithm developed to predict the effect of missense changes on protein structure and function (PolyPhen-2) suggests that this variant is likely to be tolerated. In summary, the available evidence is currently insufficient to determine the role of this variant in disease. Therefore, it has been classified as a Variant of Uncertain Significance.